The following is an entry in ClinVar:

ClinVar aggregate classification (germline): Uncertain significance (1 of 4 stars; one submission).

Conditions:
Amyotrophic lateral sclerosis type 4 (ALS4). Also called: AMYOTROPHIC LATERAL SCLEROSIS 4, JUVENILE; NEURONOPATHY, DISTAL HEREDITARY MOTOR, WITH PYRAMIDAL FEATURES. Identifiers: Orphanet 357043, MedGen C1865409, MONDO:0011223, OMIM 602433.
Spinocerebellar ataxia, autosomal recessive, with axonal neuropathy 2 (SCAN2). Also called: ATAXIA-OCULOMOTOR APRAXIA 2; Ataxia with Oculomotor Apraxia; Ataxia with Oculomotor Apraxia Type 2; Ataxia-ocular apraxia-2. Identifiers: Orphanet 64753, MedGen C1853761, MONDO:0018996, OMIM 606002.

Allele frequency attached by ClinVar (database versions not stated): gnomAD exomes below 0.00001; gnomAD 0.00001; TOPMed 0.00003.
gnomAD v4.1: 3 of 1,609,662 alleles (0.00019%); highest among the groups gnomAD compares: African/African-American, 0.004%; no homozygotes.

Submission:

Labcorp Genetics (formerly Invitae), Labcorp
Classification: Uncertain significance for Amyotrophic lateral sclerosis type 4; Spinocerebellar ataxia, autosomal recessive, with axonal neuropathy 2. Last evaluated: 2022-01-06. Review status: criteria provided, single submitter. Criteria: Invitae Variant Classification Sherloc (09022015). Collection method: clinical testing. Allele origin: germline.
Comment: In summary, the available evidence is currently insufficient to determine the role of this variant in disease. Therefore, it has been classified as a Variant of Uncertain Significance. Advanced modeling of protein sequence and biophysical properties (such as structural, functional, and spatial information, amino acid conservation, physicochemical variation, residue mobility, and thermodynamic stability) performed at Invitae indicates that this missense variant is not expected to disrupt SETX protein function. This variant has not been reported in the literature in individuals affected with SETX-related conditions. This variant is not present in population databases (gnomAD no frequency). This sequence change replaces glutamic acid, which is acidic and polar, with lysine, which is basic and polar, at codon 881 of the SETX protein (p.Glu881Lys).

NM_015046.7(SETX):c.2641G>A (p.Glu881Lys)

Gene: SETX (senataxin; minus strand). Cytogenetic location: 9q34.13.
Variant type: single nucleotide variant.
Coding change: c.2641G>A on transcript NM_015046.7 (MANE Select); coding-DNA position 2641, G replaced by A.
Protein change: p.Glu881Lys; replaces glutamic acid 881 with lysine.
Molecular consequence: missense variant.
Genome position (GRCh38, 1-based): chr9:132,328,957, C>T on the plus strand (G>A on the coding strand, the complement: SETX is on the minus strand). VCF-style: chr9-132328957-C-T. GRCh37 (hg19) VCF-style: chr9-135204344-C-T.
Other names: c.2641G>A, p.Glu881Lys (NM_001351527.2, NM_001351528.2); short protein forms E881K.
Identifiers: ClinVar variation 2074950 (VCV002074950.4), dbSNP rs1194421832, ClinGen allele CA375334712.